The following is an entry in ClinVar:

NC_000006.11:g.(?_43565413)_(43573076_?)dup

Gene: POLH (DNA polymerase eta; plus strand). Cytogenetic location: 6p21.1.
Variant type: Duplication.
Identifiers: ClinVar variation 3246207 (VCV003246207.1).

ClinVar aggregate classification (germline): Likely pathogenic (1 of 4 stars; one submission).

Submission:

Labcorp Genetics (formerly Invitae), Labcorp
Classification: Likely pathogenic. Last evaluated: 2023-09-15. Review status: criteria provided, single submitter. Criteria: Invitae Variant Classification Sherloc (09022015). Collection method: clinical testing. Allele origin: unknown.
Comment: This variant results in a copy number gain of the genomic region encompassing exon(s) 5-9 of the POLH gene. While the exact position of this variant cannot be determined from the data, sub-genic copy number gains are generally in tandem (PMID: 25640679). This variant is predicted to be out-of-frame, and may result in an absent or disrupted protein product. Loss-of-function variants in POLH are known to be pathogenic (PMID: 11773631, 24130121, 25256075). This variant has not been reported in the literature in individuals affected with POLH-related conditions. In summary, the currently available evidence indicates that the variant is pathogenic, but additional data are needed to prove that conclusively. Therefore, this variant has been classified as Likely Pathogenic.

Literature cited by the submitters: PubMed 25640679; PubMed 11773631; PubMed 24130121; PubMed 25256075.